The following is an entry in ClinVar:

NM_004385.5(VCAN):c.3079A>G (p.Thr1027Ala)

Gene: VCAN (versican; plus strand). Cytogenetic location: 5q14.3.
Variant type: single nucleotide variant.
Coding change: c.3079A>G on transcript NM_004385.5 (MANE Select); coding-DNA position 3079, A replaced by G.
Protein change: p.Thr1027Ala; replaces threonine 1027 with alanine.
Molecular consequence: missense variant. On other transcripts: intron variant (2).
Genome position (GRCh38, 1-based): chr5:83,521,385, A>G. VCF-style: chr5-83521385-A-G. GRCh37 (hg19) VCF-style: chr5-82817204-A-G.
Other names: c.3079A>G, p.Thr1027Ala (NM_001164098.2); c.1042+8989A>G (NM_001164097.2, NM_001126336.3); short protein forms T1027A.
Identifiers: ClinVar variation 855531 (VCV000855531.11), dbSNP rs367806460, ClinGen allele CA3332949.

ClinVar aggregate classification (germline): Uncertain significance (1 of 4 stars; one submission).

Allele frequency attached by ClinVar (database versions not stated): ExAC 0.00001; gnomAD 0.00001; gnomAD exomes 0.00002 and 0.00004; TOPMed 0.00002; ESP Exome Variant Server 0.00008.
gnomAD v4.1: 53 of 1,614,022 alleles (0.0033%); highest among the groups gnomAD compares: Non-Finnish European, 0.0043%; no homozygotes.

Submission:

Labcorp Genetics (formerly Invitae), Labcorp
Classification: Uncertain significance. Last evaluated: 2025-03-31. Review status: criteria provided, single submitter. Criteria: Invitae Variant Classification Sherloc (09022015). Collection method: clinical testing. Allele origin: germline.
Comment: This sequence change replaces threonine, which is neutral and polar, with alanine, which is neutral and non-polar, at codon 1027 of the VCAN protein (p.Thr1027Ala). This variant is present in population databases (rs367806460, gnomAD 0.004%). This variant has not been reported in the literature in individuals affected with VCAN-related conditions. ClinVar contains an entry for this variant (Variation ID: 855531). An algorithm developed to predict the effect of missense changes on protein structure and function outputs the following: PolyPhen-2: "Benign". The alanine amino acid residue is found in multiple mammalian species, which suggests that this missense change does not adversely affect protein function. In summary, the available evidence is currently insufficient to determine the role of this variant in disease. Therefore, it has been classified as a Variant of Uncertain Significance.